The following is an entry in ClinVar:

NM_015693.4(INTU):c.2045G>C (p.Gly682Ala)

Gene: INTU (inturned planar cell polarity protein; plus strand). Cytogenetic location: 4q28.1.
Variant type: single nucleotide variant.
Coding change: c.2045G>C on transcript NM_015693.4 (MANE Select); coding-DNA position 2045, G replaced by C.
Protein change: p.Gly682Ala; replaces glycine 682 with alanine.
Molecular consequence: missense variant.
Genome position (GRCh38, 1-based): chr4:127,706,743, G>C. VCF-style: chr4-127706743-G-C. GRCh37 (hg19) VCF-style: chr4-128627898-G-C.
Other names: short protein forms G682A.
Identifiers: ClinVar variation 3693856 (VCV003693856.2).
Genomic context (GRCh38, chr4:127,706,743, plus strand): 5'-CTGGATCACGTGAAAAAACAGATAGCTTGACCACTTCGCCTATTCTCAGTAGGCTACAAG[G>C]TACTTCCAAAGTAGCAACTTCTCCAACATGCAGAAGAACGCTTTTTGGTGACTATTCCTT-3'
Protein context (NP_056508.2, residues 672-692): TTSPILSRLQ[Gly682Ala]TSKVATSPTC

ClinVar aggregate classification (germline): Uncertain significance (1 of 4 stars; one submission).

Submission:

Labcorp Genetics (formerly Invitae), Labcorp
Classification: Uncertain significance. Last evaluated: 2024-06-28. Review status: criteria provided, single submitter. Criteria: Invitae Variant Classification Sherloc (09022015). Collection method: clinical testing. Allele origin: germline.
Comment: This sequence change replaces glycine, which is neutral and non-polar, with alanine, which is neutral and non-polar, at codon 682 of the INTU protein (p.Gly682Ala). This variant is not present in population databases (gnomAD no frequency). This variant has not been reported in the literature in individuals affected with INTU-related conditions. Advanced modeling of protein sequence and biophysical properties (such as structural, functional, and spatial information, amino acid conservation, physicochemical variation, residue mobility, and thermodynamic stability) performed at Invitae indicates that this missense variant is not expected to disrupt INTU protein function with a negative predictive value of 80%. In summary, the available evidence is currently insufficient to determine the role of this variant in disease. Therefore, it has been classified as a Variant of Uncertain Significance.